The following is an entry in ClinVar:

ClinVar aggregate classification (germline): Uncertain significance. Review status: criteria provided, multiple submitters, no conflicts (2 of 4 stars). 2 submissions from 2 submitters: Uncertain significance (2). Last evaluated 2025-06-12.

Conditions:
Hypogonadotropic hypogonadism 5 with or without anosmia (KAL5). Also called: HYPOGONADOTROPIC HYPOGONADISM 5 WITH ANOSMIA; HYPOGONADOTROPHIC HYPOGONADISM 5 WITHOUT ANOSMIA; CHD7-Related GnRH Deficiency (Kallmann Syndrome 5). Identifiers: Orphanet 478, MedGen C3552553, MONDO:0012880, OMIM 612370. Disease mechanism: loss of function.
CHARGE syndrome (CHARGE). Also called: Hittner Hirsch Kreh syndrome; CHARGE ASSOCIATION--COLOBOMA, HEART ANOMALY, CHOANAL ATRESIA, RETARDATION, GENITAL AND EAR ANOMALIES; Coloboma, heart anomaly, choanal atresia, retardation, genital and ear anomalies; CHARGE association; Hall-Hittner syndrome. Identifiers: Orphanet 138, MedGen C0265354, MONDO:0008965.

Allele frequency attached by ClinVar (database versions not stated): gnomAD exomes below 0.00001; ExAC 0.00001; TOPMed 0.00002; gnomAD 0.00003.

Submissions (2):

Labcorp Genetics (formerly Invitae), Labcorp
Classification: Uncertain significance for CHARGE syndrome. Last evaluated: 2025-06-12. Review status: criteria provided, single submitter. Criteria: Invitae Variant Classification Sherloc (09022015). Collection method: clinical testing. Allele origin: germline.
Comment: This variant, c.498_506del, results in the deletion of 3 amino acid(s) of the CHD7 protein (p.Pro170_Pro172del), but otherwise preserves the integrity of the reading frame. This variant is present in population databases (rs777426534, gnomAD 0.01%). This variant has not been reported in the literature in individuals affected with CHD7-related conditions. ClinVar contains an entry for this variant (Variation ID: 2165297). Experimental studies and prediction algorithms are not available or were not evaluated, and the functional significance of this variant is currently unknown. In summary, the available evidence is currently insufficient to determine the role of this variant in disease. Therefore, it has been classified as a Variant of Uncertain Significance.

Fulgent Genetics
Classification: Uncertain significance for CHD7-related CHARGE syndrome; Hypogonadotropic hypogonadism 5 with or without anosmia. Last evaluated: 2024-02-01. Review status: criteria provided, single submitter. Criteria: ACMG Guidelines, 2015. Collection method: clinical testing. Allele origin: germline.

NM_017780.4(CHD7):c.498_506del (p.167PQP[1])

Gene: CHD7 (chromodomain helicase DNA binding protein 7; plus strand). Cytogenetic location: 8q12.2.
Variant type: Deletion.
Coding change: c.498_506del on transcript NM_017780.4 (MANE Select); coding-DNA positions 498 to 506, 9 bases deleted (GCCGCAGCC; older notation c.498_506delGCCGCAGCC).
Protein change: p.167PQP[1].
Molecular consequence: inframe deletion.
Genome position (GRCh38, 1-based): chr8:60,741,930-60,741,938, GCCGCAGCC deleted. VCF-style (leftmost placement, unchanged base first): chr8-60741929-AGCCGCAGCC-A. GRCh37 (hg19) VCF-style: chr8-61654488-AGCCGCAGCC-A.
Other names: c.498_506del, p.167PQP[1] (NM_001316690.1).
Identifiers: ClinVar variation 2165297 (VCV002165297.5), dbSNP rs777426534, ClinGen allele CA4759327.
Genomic context (GRCh38, chr8:60,741,929, plus strand): 5'-GCCCCAGGGCTGTTCAGGTACCAGACCAGATACGAGCCCCCTACCAGCAGCAGCAGCCAC[AGCCGCAGCC>A]ACCGCAGCCGGCTCCGTCGGGGCCCCCTGCACAGGGCCACCCTCAGCACATGCAGCAGAT-3'